The following is an entry in ClinVar:

ClinVar aggregate classification (germline): Uncertain significance (1 of 4 stars; one submission).

Allele frequency attached by ClinVar (database versions not stated): TOPMed below 0.00001; gnomAD 0.00001.
gnomAD v4.1: 2 of 1,531,272 alleles (0.00013%); highest among the groups gnomAD compares: Admixed American, 0.0039%; no homozygotes.

Submission:

Labcorp Genetics (formerly Invitae), Labcorp
Classification: Uncertain significance. Last evaluated: 2025-02-17. Review status: criteria provided, single submitter. Criteria: Invitae Variant Classification Sherloc (09022015). Collection method: clinical testing. Allele origin: germline.
Comment: This sequence change replaces aspartic acid, which is acidic and polar, with histidine, which is basic and polar, at codon 24 of the DPYS protein (p.Asp24His). This variant is present in population databases (no rsID available, gnomAD 0.008%). This variant has not been reported in the literature in individuals affected with DPYS-related conditions. ClinVar contains an entry for this variant (Variation ID: 1928253). Invitae Evidence Modeling of protein sequence and biophysical properties (such as structural, functional, and spatial information, amino acid conservation, physicochemical variation, residue mobility, and thermodynamic stability) indicates that this missense variant is expected to disrupt DPYS protein function with a positive predictive value of 80%. In summary, the available evidence is currently insufficient to determine the role of this variant in disease. Therefore, it has been classified as a Variant of Uncertain Significance.

NM_001385.3(DPYS):c.70G>C (p.Asp24His)

Gene: DPYS (dihydropyrimidinase; minus strand). Cytogenetic location: 8q22.3.
Variant type: single nucleotide variant.
Coding change: c.70G>C on transcript NM_001385.3 (MANE Select); coding-DNA position 70, G replaced by C.
Protein change: p.Asp24His; replaces aspartic acid 24 with histidine.
Molecular consequence: missense variant.
Genome position (GRCh38, 1-based): chr8:104,466,851, C>G on the plus strand (G>C on the coding strand, the complement: DPYS is on the minus strand). VCF-style: chr8-104466851-C-G. GRCh37 (hg19) VCF-style: chr8-105479079-C-G.
Other names: short protein forms D24H.
Identifiers: ClinVar variation 1928253 (VCV001928253.5), dbSNP rs1019808073, ClinGen allele CA182641573.
Genomic context (GRCh38, chr8:104,466,851, plus strand): 5'-CCCCGGGAGGCAGCAGGTCGTGCCCGAGTGCCCGCACCACGCCGTCCTCCACCAGCACGT[C>G]GGCCACCTCCGAGAAGTCATCGTTGACCACGCGACCCCCGCGGATCAGGAGCCGCGAGGG-3'
Protein context (NP_001376.1, residues 14-34): VVNDDFSEVA[Asp24His]VLVEDGVVRA